The following is an entry in ClinVar:

ClinVar aggregate classification (germline): Uncertain significance (1 of 4 stars; one submission).

Conditions:
Bethlem myopathy 1A. Also called: Bethlem Muscular Dystrophy; MYOPATHY, BENIGN CONGENITAL, WITH CONTRACTURES; Bethlem myopathy 1. Identifiers: Orphanet 610, MedGen CN029274, MONDO:0024530, OMIM 158810.

Allele frequency attached by ClinVar (database versions not stated): ExAC 0.00002; gnomAD exomes 0.00002 and 0.00004; TOPMed 0.00002; gnomAD 0.00003 and 0.00004.
gnomAD v4.1: 70 of 1,614,100 alleles (0.0043%); highest among the groups gnomAD compares: African/African-American, 0.0067%; no homozygotes.

Submission:

Labcorp Genetics (formerly Invitae), Labcorp
Classification: Uncertain significance for Bethlem myopathy 1A. Last evaluated: 2025-03-25. Review status: criteria provided, single submitter. Criteria: Invitae Variant Classification Sherloc (09022015). Collection method: clinical testing. Allele origin: germline.
Comment: This sequence change replaces proline, which is neutral and non-polar, with leucine, which is neutral and non-polar, at codon 1182 of the COL6A3 protein (p.Pro1182Leu). This variant is present in population databases (rs768064422, gnomAD 0.004%). This variant has not been reported in the literature in individuals affected with COL6A3-related conditions. ClinVar contains an entry for this variant (Variation ID: 476517). Invitae Evidence Modeling of protein sequence and biophysical properties (such as structural, functional, and spatial information, amino acid conservation, physicochemical variation, residue mobility, and thermodynamic stability) indicates that this missense variant is not expected to disrupt COL6A3 protein function with a negative predictive value of 80%. In summary, the available evidence is currently insufficient to determine the role of this variant in disease. Therefore, it has been classified as a Variant of Uncertain Significance.

NM_004369.4(COL6A3):c.3545C>T (p.Pro1182Leu)

Gene: COL6A3 (collagen type VI alpha 3 chain; minus strand). Cytogenetic location: 2q37.3.
Variant type: single nucleotide variant.
Coding change: c.3545C>T on transcript NM_004369.4 (MANE Select); coding-DNA position 3545, C replaced by T.
Protein change: p.Pro1182Leu; replaces proline 1182 with leucine.
Molecular consequence: missense variant.
Genome position (GRCh38, 1-based): chr2:237,374,546, G>A on the plus strand (C>T on the coding strand, the complement: COL6A3 is on the minus strand). VCF-style: chr2-237374546-G-A. GRCh37 (hg19) VCF-style: chr2-238283189-G-A.
Other names: c.2324C>T, p.Pro775Leu (NM_057164.5); c.2927C>T, p.Pro976Leu (NM_057165.5, NM_057167.4); c.1724C>T, p.Pro575Leu (NM_057166.5); short protein forms P1182L, P976L, P575L, P775L.
Identifiers: ClinVar variation 476517 (VCV000476517.7), dbSNP rs768064422, ClinGen allele CA2189147.